The following is an entry in ClinVar:

ClinVar aggregate classification (somatic clinical impact): Tier I - Strong (1 of 4 stars; one submission).

Conditions:
Embryonal rhabdomyosarcoma (ERMS). Also called: Botryoid rhabdomyosarcoma (type of ERMS); Spindle cell rhabdomyosarcomas (type of ERMS). Identifiers: Orphanet 99757, MedGen C0206656, MONDO:0009993, HP:0006743.

Submission:

Institute for Genomic Medicine (IGM) Clinical Laboratory, Nationwide Children's Hospital
Classification: Tier I - Strong for Embryonal rhabdomyosarcoma. Assertion type: diagnostic. Clinical significance: supports diagnosis. Last evaluated: 2024-12-31. Review status: criteria provided, single submitter. Criteria: AMP/ASCO/CAP Guidelines, 2017. Collection method: clinical testing. Allele origin: somatic. Affected: yes.
Comment: Variant has Tier I (strong) clinical significance as a diagnostic inclusion criterion in embryonal rhabdomyosarcoma, based on the following evidence: 1) Appears in one or more well-established professional guidelines (e.g., World Health Organization [WHO]; National Comprehensive Cancer Network [NCCN]) as providing diagnostic, prognostic, or therapeutic information. 2) Diagnostic for a specific tumor type/classification based on well-powered studies with expert-level consensus (Evidence Level B; PMIDs: 24436047, 34166060, 24332040, 25768946, 19809159).

Literature cited by the submitters: PubMed 24436047; PubMed 34166060; PubMed 24332040; PubMed 25768946; PubMed 19809159.

NM_213647.3(FGFR4):c.1534A>G (p.Lys512Glu)

Gene: FGFR4 (fibroblast growth factor receptor 4; plus strand). Cytogenetic location: 5q35.2.
Variant type: single nucleotide variant.
Coding change: c.1534A>G on transcript NM_213647.3 (MANE Select); coding-DNA position 1534, A replaced by G.
Protein change: p.Lys512Glu; replaces lysine 512 with glutamic acid.
Molecular consequence: missense variant.
Genome position (GRCh38, 1-based): chr5:177,095,344, A>G. VCF-style: chr5-177095344-A-G. GRCh37 (hg19) VCF-style: chr5-176522345-A-G.
Other names: c.1330A>G, p.Lys444Glu (NM_001291980.2); c.1534A>G, p.Lys512Glu (NM_001354984.2, NM_002011.5); c.1414A>G, p.Lys472Glu (NM_022963.3); short protein forms K444E, K472E, K512E.
Identifiers: ClinVar variation 4530038 (VCV004530038.1).